The following is an entry in ClinVar:

ClinVar aggregate classification (germline): Uncertain significance. Review status: criteria provided, multiple submitters, no conflicts (2 of 4 stars). 2 submissions from 2 submitters: Uncertain significance (2). Last evaluated 2025-04-17.

Conditions:
Inborn genetic diseases. Identifiers: MedGen C0950123, MeSH D030342.

Allele frequency attached by ClinVar (database versions not stated): gnomAD exomes 0.00001; ExAC 0.00002; gnomAD 0.00004.
gnomAD v4.1: 14 of 1,609,586 alleles (0.00087%); highest among the groups gnomAD compares: Middle Eastern, 0.016%; no homozygotes.

Submissions (2):

Labcorp Genetics (formerly Invitae), Labcorp
Classification: Uncertain significance. Last evaluated: 2025-04-17. Review status: criteria provided, single submitter. Criteria: Invitae Variant Classification Sherloc (09022015). Collection method: clinical testing. Allele origin: germline.
Comment: This sequence change falls in intron 22 of the MPDZ gene. It does not directly change the encoded amino acid sequence of the MPDZ protein. It affects a nucleotide within the consensus splice site. This variant is present in population databases (rs758216586, gnomAD 0.003%). This variant has not been reported in the literature in individuals affected with MPDZ-related conditions. ClinVar contains an entry for this variant (Variation ID: 1911372). Variants that disrupt the consensus splice site are a relatively common cause of aberrant splicing (PMID: 17576681, 9536098). Algorithms developed to predict the effect of sequence changes on RNA splicing suggest that this variant is not likely to affect RNA splicing. In summary, the available evidence is currently insufficient to determine the role of this variant in disease. Therefore, it has been classified as a Variant of Uncertain Significance.

Ambry Genetics
Classification: Uncertain significance for Inborn genetic diseases. Last evaluated: 2022-06-17. Review status: criteria provided, single submitter. Criteria: Ambry Variant Classification Scheme 2023. Collection method: clinical testing. Allele origin: germline.
Comment: The c.3254+6T>C intronic alteration consists of a T to C substitution 6 nucleotides after exon 21 of the MPDZ gene. Based on insufficient or conflicting evidence, the clinical significance of this alteration remains unclear.

Literature cited by the submitters: PubMed 17576681 (cited by Labcorp Genetics (formerly Invitae), Labcorp); PubMed 9536098 (cited by Labcorp Genetics (formerly Invitae), Labcorp).

NM_001378778.1(MPDZ):c.3254+6T>C

Gene: MPDZ (multiple PDZ domain crumbs cell polarity complex component; minus strand). Cytogenetic location: 9p23.
Variant type: single nucleotide variant.
Coding change: c.3254+6T>C on transcript NM_001378778.1 (MANE Select); 6 bases into the intron after coding-DNA position 3254, T replaced by C.
Molecular consequence: intron variant.
Genome position (GRCh38, 1-based): chr9:13,168,360, A>G on the plus strand (T>C on the coding strand, the complement: MPDZ is on the minus strand). VCF-style: chr9-13168360-A-G. GRCh37 (hg19) VCF-style: chr9-13168359-A-G.
Other names: c.3254+6T>C (NM_001375425.1, NM_001375420.1, NM_001375419.1 and 14 more transcripts).
Identifiers: ClinVar variation 1911372 (VCV001911372.6), dbSNP rs758216586, ClinGen allele CA4987215.